The following is an entry in ClinVar:

ClinVar aggregate classification (germline): Uncertain significance. Review status: criteria provided, multiple submitters, no conflicts (2 of 4 stars). 2 submissions from 2 submitters: Uncertain significance (2). Last evaluated 2025-11-02.

Conditions:
Inborn genetic diseases. Identifiers: MedGen C0950123, MeSH D030342.

Allele frequency attached by ClinVar (database versions not stated): gnomAD 0.00004; ESP Exome Variant Server 0.00008; ExAC 0.00011.
gnomAD v4.1: 137 of 1,613,972 alleles (0.0085%); highest among the groups gnomAD compares: Non-Finnish European, 0.011%; no homozygotes.

Submissions (2):

Labcorp Genetics (formerly Invitae), Labcorp
Classification: Uncertain significance. Last evaluated: 2025-11-02. Review status: criteria provided, single submitter. Criteria: Invitae Variant Classification Sherloc (09022015). Collection method: clinical testing. Allele origin: germline.
Comment: This sequence change replaces alanine, which is neutral and non-polar, with proline, which is neutral and non-polar, at codon 36 of the NRIP1 protein (p.Ala36Pro). This variant is present in population databases (rs149544431, gnomAD 0.02%). This variant has not been reported in the literature in individuals affected with NRIP1-related conditions. ClinVar contains an entry for this variant (Variation ID: 2422116). An algorithm developed to predict the effect of missense changes on protein structure and function (PolyPhen-2) suggests that this variant is likely to be disruptive. In summary, the available evidence is currently insufficient to determine the role of this variant in disease. Therefore, it has been classified as a Variant of Uncertain Significance.

Ambry Genetics
Classification: Uncertain significance for Inborn genetic diseases. Last evaluated: 2024-06-17. Review status: criteria provided, single submitter. Criteria: Ambry Variant Classification Scheme 2023. Collection method: clinical testing. Allele origin: germline.

NM_003489.4(NRIP1):c.106G>C (p.Ala36Pro)

Gene: NRIP1 (nuclear receptor interacting protein 1; minus strand). Cytogenetic location: 21q11.2.
Variant type: single nucleotide variant.
Coding change: c.106G>C on transcript NM_003489.4 (MANE Select); coding-DNA position 106, G replaced by C.
Protein change: p.Ala36Pro; replaces alanine 36 with proline.
Molecular consequence: missense variant.
Genome position (GRCh38, 1-based): chr21:14,968,087, C>G on the plus strand (G>C on the coding strand, the complement: NRIP1 is on the minus strand). VCF-style: chr21-14968087-C-G. GRCh37 (hg19) VCF-style: chr21-16340408-C-G.
Other names: c.106G>C (NM_003489.3); short protein forms A36P.
Identifiers: ClinVar variation 2422116 (VCV002422116.7), dbSNP rs149544431, ClinGen allele CA9981547.